The following is an entry in ClinVar:

NM_001042432.2(CLN3):c.209G>A (p.Gly70Glu)

Gene: CLN3 (CLN3 lysosomal/endosomal transmembrane protein, battenin; minus strand). Cytogenetic location: 16p12.1.
Variant type: single nucleotide variant.
Coding change: c.209G>A on transcript NM_001042432.2 (MANE Select); coding-DNA position 209, G replaced by A.
Protein change: p.Gly70Glu; replaces glycine 70 with glutamic acid.
Molecular consequence: missense variant. On other transcripts: 5 prime UTR variant (1).
Genome position (GRCh38, 1-based): chr16:28,489,303, C>T on the plus strand (G>A on the coding strand, the complement: CLN3 is on the minus strand). VCF-style: chr16-28489303-C-T. GRCh37 (hg19) VCF-style: chr16-28500624-C-T.
Other names: c.209G>A, p.Gly70Glu (NM_000086.2, NM_001286104.2); c.-12G>A (NM_001286105.2); c.47G>A, p.Gly16Glu (NM_001286109.2, NM_001286110.2); short protein forms G16E, G70E.
Identifiers: ClinVar variation 959086 (VCV000959086.6), dbSNP rs747526330, ClinGen allele CA7981028.
Genomic context (GRCh38, chr16:28,489,303, plus strand): 5'-CTTCCCACAGGGACTAACCATGGTGGTGGTGGTAGAGAGTCACTTACATGGCTCTGGTTT[C>T]CCGATGTCCTCTTGTGGCTAAGGATGTCGTGGGCGGCACTCAGCATCACCACATAAGAGA-3'
Protein context (NP_001035897.1, residues 60-80): HDILSHKRTS[Gly70Glu]NQSHVDPGPT

ClinVar aggregate classification (germline): Uncertain significance (1 of 4 stars; one submission).

Conditions:
Neuronal ceroid lipofuscinosis. Also called: Neuronal Ceroid Lipofuscinoses. Identifiers: Orphanet 216, Orphanet 79263, MedGen C0027877, MONDO:0016295. Disease mechanism: loss of function.

Allele frequency attached by ClinVar (database versions not stated): gnomAD exomes below 0.00001; ExAC 0.00001; gnomAD 0.00001; TOPMed 0.00001.
gnomAD v4.1: 8 of 1,612,636 alleles (0.0005%); highest among the groups gnomAD compares: Non-Finnish European, 0.00068%; no homozygotes.

Submission:

Labcorp Genetics (formerly Invitae), Labcorp
Classification: Uncertain significance for Neuronal ceroid lipofuscinosis. Last evaluated: 2022-08-08. Review status: criteria provided, single submitter. Criteria: Invitae Variant Classification Sherloc (09022015). Collection method: clinical testing. Allele origin: germline.
Comment: This sequence change replaces glycine, which is neutral and non-polar, with glutamic acid, which is acidic and polar, at codon 70 of the CLN3 protein (p.Gly70Glu). This variant is present in population databases (rs747526330, gnomAD 0.0009%). This variant has not been reported in the literature in individuals affected with CLN3-related conditions. ClinVar contains an entry for this variant (Variation ID: 959086). Algorithms developed to predict the effect of missense changes on protein structure and function output the following: SIFT: "Tolerated"; PolyPhen-2: "Benign"; Align-GVGD: "Class C0". The glutamic acid amino acid residue is found in multiple mammalian species, which suggests that this missense change does not adversely affect protein function. In summary, the available evidence is currently insufficient to determine the role of this variant in disease. Therefore, it has been classified as a Variant of Uncertain Significance.